The following is an entry in ClinVar:

ClinVar aggregate classification (germline): Uncertain significance (1 of 4 stars; one submission).

Conditions:
Periodontitis, aggressive. Identifiers: MedGen C0031106, MONDO:0980757.
Haim-Munk syndrome (HMS). Also called: COCHIN JEWISH DISORDER; KERATOSIS PALMOPLANTARIS WITH PERIODONTOPATHIA AND ONYCHOGRYPOSIS. Identifiers: Orphanet 2342, MedGen C1855627, MONDO:0009491, OMIM 245010.
Papillon-Lefèvre syndrome (PALS). Also called: KERATOSIS PALMOPLANTARIS WITH PERIODONTOPATHIA; Papillon-Lefevre Disease. Identifiers: Orphanet 678, MedGen C0030360, MONDO:0009490, OMIM 245000.

Allele frequency attached by ClinVar (database versions not stated): ExAC 0.00002; TOPMed 0.00002; gnomAD 0.00001.
gnomAD v4.1: 25 of 1,613,980 alleles (0.0015%); highest among the groups gnomAD compares: Admixed American, 0.005%; no homozygotes.

Submission:

Labcorp Genetics (formerly Invitae), Labcorp
Classification: Uncertain significance for Haim-Munk syndrome; Periodontitis, aggressive; Papillon-Lefèvre syndrome. Last evaluated: 2022-01-02. Review status: criteria provided, single submitter. Criteria: Invitae Variant Classification Sherloc (09022015). Collection method: clinical testing. Allele origin: germline.
Comment: This sequence change replaces methionine, which is neutral and non-polar, with threonine, which is neutral and polar, at codon 333 of the CTSC protein (p.Met333Thr). This variant is present in population databases (rs762298800, gnomAD 0.006%). This variant has not been reported in the literature in individuals affected with CTSC-related conditions. Algorithms developed to predict the effect of missense changes on protein structure and function are either unavailable or do not agree on the potential impact of this missense change (SIFT: "Not Available"; PolyPhen-2: "Benign"; Align-GVGD: "Not Available"). In summary, the available evidence is currently insufficient to determine the role of this variant in disease. Therefore, it has been classified as a Variant of Uncertain Significance.

NM_001814.6(CTSC):c.998T>C (p.Met333Thr)

Gene: CTSC (cathepsin C; minus strand). Cytogenetic location: 11q14.2.
Variant type: single nucleotide variant.
Coding change: c.998T>C on transcript NM_001814.6 (MANE Select); coding-DNA position 998, T replaced by C.
Protein change: p.Met333Thr; replaces methionine 333 with threonine.
Molecular consequence: missense variant.
Genome position (GRCh38, 1-based): chr11:88,294,400, A>G on the plus strand (T>C on the coding strand, the complement: CTSC is on the minus strand). VCF-style: chr11-88294400-A-G. GRCh37 (hg19) VCF-style: chr11-88027568-A-G.
Other names: short protein forms M333T.
Identifiers: ClinVar variation 2080131 (VCV002080131.1), dbSNP rs762298800, ClinGen allele CA6219792.